The following is an entry in ClinVar:

NM_000059.4(BRCA2):c.6692del (p.Ala2231fs)

Gene: BRCA2 (BRCA2 DNA repair associated; plus strand). Cytogenetic location: 13q13.1.
Variant type: Deletion.
Coding change: c.6692del on transcript NM_000059.4 (MANE Select); coding-DNA position 6692, one base deleted (C; older notation c.6692delC).
Protein change: p.Ala2231fs; shifts the reading frame from alanine 2231.
Molecular consequence: frameshift variant.
Genome position (GRCh38, 1-based): chr13:32,341,047, C deleted. VCF-style (leftmost placement, unchanged base first): chr13-32341046-GC-G. GRCh37 (hg19) VCF-style: chr13-32915183-GC-G.
Other names: c.6692delC (NM_000059.3).
Identifiers: ClinVar variation 254588 (VCV000254588.11), dbSNP rs886038153, ClinGen allele CA10586562.
Genomic context (GRCh38, chr13:32,341,046, plus strand): 5'-GTTTGTTCTACTTACTCCAAAGATTCAGAAAACTACTTTGAAACAGAAGCAGTAGAAATT[GC>G]TAAAGCTTTTATGGAAGATGATGAACTGACAGATTCTAAACTGCCAAGTCATGCCACACA-3'

ClinVar aggregate classification (germline): Pathogenic. Review status: reviewed by expert panel (3 of 4 stars). 4 submissions from 4 submitters: Pathogenic (1). 3 of the submissions do not count toward it. Last evaluated 2016-09-08.

Conditions:
Hereditary breast ovarian cancer syndrome. Also called: Hereditary breast and ovarian cancer; Breast and ovarian cancer; Hereditary breast and/or ovarian cancer syndrome; BRCA1- and BRCA2-Associated Hereditary Breast and Ovarian Cancer; Hereditary breast and ovarian cancer syndrome; Hereditary breast and ovarian cancer syndrome (HBOC). Identifiers: Orphanet 145, MedGen C0677776, MeSH D061325, MONDO:0003582. Disease mechanism: loss of function.
Breast-ovarian cancer, familial, susceptibility to, 2 (BROVCA2). Also called: BRCA2 Hereditary Breast and Ovarian Cancer. Identifiers: Orphanet 145, MedGen C2675520, MONDO:0012933, OMIM 612555. Disease mechanism: loss of function.

Submissions (4):

Evidence-based Network for the Interpretation of Germline Mutant Alleles (ENIGMA)
Classification: Pathogenic for Breast-ovarian cancer, familial, susceptibility to, 2. Last evaluated: 2016-09-08. Review status: reviewed by expert panel. Criteria: ENIGMA BRCA1/2 Classification Criteria (2015). Collection method: curation. Allele origin: germline.
Comment: Variant allele predicted to encode a truncated non-functional protein.

Labcorp Genetics (formerly Invitae), Labcorp
Classification: Pathogenic for Hereditary breast ovarian cancer syndrome. Last evaluated: 2024-05-03. Review status: criteria provided, single submitter. Criteria: Invitae Variant Classification Sherloc (09022015). Collection method: clinical testing. Allele origin: germline. Not counted in ClinVar's aggregate classification.
Comment: This sequence change creates a premature translational stop signal (p.Ala2231Valfs*10) in the BRCA2 gene. It is expected to result in an absent or disrupted protein product. Loss-of-function variants in BRCA2 are known to be pathogenic (PMID: 20104584). This variant is not present in population databases (gnomAD no frequency). This variant has not been reported in the literature in individuals affected with BRCA2-related conditions. ClinVar contains an entry for this variant (Variation ID: 254588). For these reasons, this variant has been classified as Pathogenic.

Consortium of Investigators of Modifiers of BRCA1/2 (CIMBA), c/o University of Cambridge
Classification: Pathogenic for Breast-ovarian cancer, familial, susceptibility to, 2. Last evaluated: 2015-10-02. Review status: criteria provided, single submitter. Criteria: CIMBA Mutation Classification guidelines May 2016. Collection method: clinical testing. Allele origin: germline. Not counted in ClinVar's aggregate classification.

Research Molecular Genetics Laboratory, Women's College Hospital, University of Toronto
Classification: Pathogenic for Hereditary breast ovarian cancer syndrome. Last evaluated: 2014-01-31. Review status: no assertion criteria provided. Collection method: research. Allele origin: germline. Affected: yes. Study: The Canadian Open Genetics Repository (COGR). Not counted in ClinVar's aggregate classification.

Literature cited by the submitters: PubMed 20104584 (cited by Labcorp Genetics (formerly Invitae), Labcorp).